The following is an entry in ClinVar:

ClinVar aggregate classification (germline): Likely pathogenic (1 of 4 stars; one submission).

Conditions:
Bohring-Opitz syndrome. Also called: C-LIKE SYNDROME; BOHRING SYNDROME; OPITZ TRIGONOCEPHALY-LIKE SYNDROME; ASXL1-Related Bohring-Opitz Syndrome. Identifiers: Orphanet 97297, MedGen C0796232, MONDO:0011510, OMIM 605039.
Myelodysplastic syndrome (MDS). Also called: MYELODYSPLASTIC SYNDROME, SUSCEPTIBILITY TO; Myelodysplastic syndrome, somatic; Myelodysplastic syndromes. Identifiers: Orphanet 52688, MedGen C3463824, MeSH D009190, MONDO:0018881, OMIM 614286.

gnomAD v4.1: 4 of 1,614,076 alleles (0.00025%); highest among the groups gnomAD compares: Non-Finnish European, 0.00025%; no homozygotes.

Submission:

Juno Genomics, Hangzhou Juno Genomics, Inc
Classification: Likely pathogenic for Myelodysplastic syndrome; Bohring-Opitz syndrome. Review status: criteria provided, single submitter. Criteria: ACMG Guidelines, 2015. Collection method: clinical testing. Allele origin: germline. Affected: yes.
Comment: Absent from controls (or at extremely low frequency if recessive) in Genome Aggregation Database.;Null variant in a gene where loss of function (LOF) is a known mechanism of disease.

NM_015338.6(ASXL1):c.1585C>T (p.Gln529Ter)

Gene: ASXL1 (ASXL transcriptional regulator 1; plus strand). Cytogenetic location: 20q11.21.
Variant type: single nucleotide variant.
Coding change: c.1585C>T on transcript NM_015338.6 (MANE Select); coding-DNA position 1585, C replaced by T.
Protein change: p.Gln529Ter; replaces glutamine 529 with a stop codon.
Molecular consequence: nonsense.
Genome position (GRCh38, 1-based): chr20:32,433,783, C>T. VCF-style: chr20-32433783-C-T. GRCh37 (hg19) VCF-style: chr20-31021586-C-T.
Other names: c.1402C>T, p.Gln468Ter (NM_001363734.1); short protein forms Q468*, Q529*.
Identifiers: ClinVar variation 5018524 (VCV005018524.1).